The following is an entry in ClinVar:

ClinVar aggregate classification (germline): Likely pathogenic (1 of 4 stars; one submission).

Conditions:
Hereditary breast ovarian cancer syndrome. Also called: Hereditary breast and ovarian cancer; Hereditary breast and ovarian cancer syndrome (HBOC); Breast and ovarian cancer; BRCA1- and BRCA2-Associated Hereditary Breast and Ovarian Cancer; Hereditary breast and/or ovarian cancer syndrome; Hereditary breast and ovarian cancer syndrome. Identifiers: Orphanet 145, MedGen C0677776, MeSH D061325, MONDO:0003582. Disease mechanism: loss of function.

Submission:

Institute for Biomarker Research, Medical Diagnostic Laboratories, L.L.C.
Classification: Likely pathogenic for Hereditary breast ovarian cancer syndrome. Last evaluated: 2026-05-11. Review status: criteria provided, single submitter. Criteria: ACMG Guidelines, 2015. Collection method: clinical testing. Allele origin: germline.
Comment: The frameshift insertion NM_007294.4(BRCA1):c.4945_4946insTTTT (p.Arg1649Ilefs*31) is not currently classified as pathogenic or benign in clinical sources. This variant is predicted to cause loss of normal protein function through protein truncation caused a frameshift mutation. The frame shifted sequence continues 31 residues until a stop codon is reached. This variant is a frameshift variant which occurs in an exon of BRCA1 upstream of where nonsense mediated decay is predicted to occur. The p.Arg1649Ilefs*31 variant is a loss of function variant in the gene BRCA1, which is intolerant of Loss of Function variants, as indicated by the presence of existing pathogenic loss of function variant NM_007294.4:c.-19-2A>G and 3392 others. For these reasons, this variant has been classified as Likely Pathogenic.

NM_007294.4(BRCA1):c.4945_4946insTTTT (p.Arg1649fs)

Gene: BRCA1 (BRCA1 DNA repair associated; minus strand). Cytogenetic location: 17q21.31.
Variant type: Insertion.
Coding change: c.4945_4946insTTTT on transcript NM_007294.4 (MANE Select); coding-DNA positions 4945 to 4946, TTTT inserted.
Protein change: p.Arg1649fs; shifts the reading frame from arginine 1649.
Molecular consequence: frameshift variant. On other transcripts: intron variant (1).
Genome position: GRCh38 VCF-style: chr17-43070968-C-CAAAA. GRCh37 (hg19) VCF-style: chr17-41222985-C-CAAAA.
Other names: c.1492_1493insTTTT, p.Arg498fs (NM_001408460.1, NM_001408461.1, NM_001408462.1 and 7 more transcripts); c.1489_1490insTTTT, p.Arg497fs (NM_001408468.1, NM_001408469.1, NM_001408470.1); c.1633_1634insTTTT, p.Arg545fs (NM_001408472.1, NM_001407985.1, NM_001407986.1 and 12 more transcripts); c.1630_1631insTTTT, p.Arg544fs (NM_001408473.1, NM_001408392.1, NM_001408396.1 and 8 more transcripts); c.1435_1436insTTTT, p.Arg479fs (NM_001408474.1); c.1432_1433insTTTT, p.Arg478fs (NM_001408475.1, NM_001408476.1); c.1426_1427insTTTT, p.Arg476fs (NM_001408478.1, NM_001408479.1, NM_001408480.1); c.1627_1628insTTTT, p.Arg543fs (NM_001408406.1, NM_001408407.1, NM_001408408.1); and 71 more; short protein forms R1352fs, R1353fs, R1480fs, R1495fs, R1520fs, R1521fs, R1522fs, R1536fs.
Identifiers: ClinVar variation 4879468 (VCV004879468.1).